The following is an entry in ClinVar:

ClinVar aggregate classification (germline): Uncertain significance (1 of 4 stars; one submission).

Submission:

Labcorp Genetics (formerly Invitae), Labcorp
Classification: Uncertain significance. Last evaluated: 2025-07-24. Review status: criteria provided, single submitter. Criteria: Invitae Variant Classification Sherloc (09022015). Collection method: clinical testing. Allele origin: germline.
Comment: This sequence change replaces arginine, which is basic and polar, with tryptophan, which is neutral and slightly polar, at codon 50 of the TSPAN12 protein (p.Arg50Trp). This variant is not present in population databases (gnomAD no frequency). This variant has not been reported in the literature in individuals affected with TSPAN12-related conditions. ClinVar contains an entry for this variant (Variation ID: 1525108). An algorithm developed to predict the effect of missense changes on protein structure and function (PolyPhen-2) suggests that this variant is likely to be disruptive. Algorithms developed to predict the effect of sequence changes on RNA splicing suggest that this variant may disrupt the consensus splice site. In summary, the available evidence is currently insufficient to determine the role of this variant in disease. Therefore, it has been classified as a Variant of Uncertain Significance.

NM_012338.4(TSPAN12):c.148A>T (p.Arg50Trp)

Gene: TSPAN12 (tetraspanin 12; minus strand). Cytogenetic location: 7q31.31.
Variant type: single nucleotide variant.
Coding change: c.148A>T on transcript NM_012338.4 (MANE Select); coding-DNA position 148, A replaced by T.
Protein change: p.Arg50Trp; replaces arginine 50 with tryptophan.
Molecular consequence: missense variant.
Genome position (GRCh38, 1-based): chr7:120,840,028, T>A on the plus strand (A>T on the coding strand, the complement: TSPAN12 is on the minus strand). VCF-style: chr7-120840028-T-A. GRCh37 (hg19) VCF-style: chr7-120480082-T-A.
Other names: short protein forms R50W.
Identifiers: ClinVar variation 1525108 (VCV001525108.8), dbSNP rs2116469929, ClinGen allele CA369141469.
Genomic context (GRCh38, chr7:120,840,028, plus strand): 5'-GAGGGCAAAGTTACTTAAAATCAGCAAGAAAGAATTCAATCAATAATTATAAAGTATACC[T>A]CGTTTCTGCAGTTAAAGTGAGAACATTATTTAGGTAGTCCCTCATCCAAGCAGAAACTGC-3'
Protein context (NP_036470.1, residues 40-60): NNVLTLTAET[Arg50Trp]VEEAVILTYF